The following is an entry in ClinVar:

NM_001211.6(BUB1B):c.2363_2364del (p.Ser788fs)

Gene: BUB1B (BUB1 mitotic checkpoint serine/threonine kinase B; plus strand). Cytogenetic location: 15q15.1.
Variant type: Microsatellite.
Coding change: c.2363_2364del on transcript NM_001211.6 (MANE Select); coding-DNA positions 2363 to 2364, 2 bases deleted (CT; older notation c.2363_2364delCT).
Protein change: p.Ser788fs; shifts the reading frame from serine 788.
Molecular consequence: frameshift variant.
Genome position (GRCh38, 1-based): chr15:40,210,188-40,210,189, CT deleted; deleting any 2 consecutive bases within chr15:40,210,186-40,210,189 gives the same sequence; the c. name uses the placement nearest the transcript's 3' end. VCF-style (leftmost placement, unchanged base first): chr15-40210185-ACT-A. GRCh37 (hg19) VCF-style: chr15-40502386-ACT-A.
Other names: short protein forms S788fs.
Identifiers: ClinVar variation 986977 (VCV000986977.7), dbSNP rs756459860, ClinGen allele CA7476022.

ClinVar aggregate classification (germline): Pathogenic/Likely pathogenic. Review status: criteria provided, multiple submitters, no conflicts (2 of 4 stars). 2 submissions from 2 submitters: Pathogenic (1); Likely pathogenic (1). Last evaluated 2022-10-17.

Conditions:
Mosaic variegated aneuploidy syndrome 1 (MVA1). Also called: Warburton-Anyane-Yeboa syndrome. Identifiers: Orphanet 1052, MedGen C1850343, MONDO:0009759, OMIM 257300.

Submissions (2):

Labcorp Genetics (formerly Invitae), Labcorp
Classification: Pathogenic for Mosaic variegated aneuploidy syndrome 1. Last evaluated: 2022-10-17. Review status: criteria provided, single submitter. Criteria: Invitae Variant Classification Sherloc (09022015). Collection method: clinical testing. Allele origin: germline.
Comment: This sequence change creates a premature translational stop signal (p.Ser788Cysfs*29) in the BUB1B gene. It is expected to result in an absent or disrupted protein product. Loss-of-function variants in BUB1B are known to be pathogenic (PMID: 15475955, 21190457). This variant is present in population databases (rs756459860, gnomAD 0.01%). This variant has not been reported in the literature in individuals affected with BUB1B-related conditions. For these reasons, this variant has been classified as Pathogenic.

Institute of Medical Genetics and Applied Genomics, University Hospital Tübingen
Classification: Likely pathogenic. Last evaluated: 2020-10-23. Review status: criteria provided, single submitter. Criteria: ACMG Guidelines, 2015. Collection method: clinical testing. Allele origin: germline. Inheritance: Autosomal recessive inheritance. Affected: yes.

Literature cited by the submitters: PubMed 15475955 (cited by Labcorp Genetics (formerly Invitae), Labcorp); PubMed 21190457 (cited by Labcorp Genetics (formerly Invitae), Labcorp).